The following is an entry in ClinVar:

ClinVar aggregate classification (germline): Uncertain significance (1 of 4 stars; one submission).

Conditions:
Neutral lipid storage myopathy (NLSDM). Also called: NEUTRAL LIPID STORAGE DISEASE WITHOUT ICHTHYOSIS. Identifiers: Orphanet 98908, MedGen C1853136, MONDO:0012545, OMIM 610717.

Allele frequency attached by ClinVar (database versions not stated): TOPMed below 0.00001; gnomAD 0.00001; gnomAD exomes 0.00001 and 0.00002; ExAC 0.00002.

Submission:

Labcorp Genetics (formerly Invitae), Labcorp
Classification: Uncertain significance for Neutral lipid storage myopathy. Last evaluated: 2022-06-27. Review status: criteria provided, single submitter. Criteria: Invitae Variant Classification Sherloc (09022015). Collection method: clinical testing. Allele origin: germline.
Comment: This sequence change replaces arginine, which is basic and polar, with glutamine, which is neutral and polar, at codon 206 of the PNPLA2 protein (p.Arg206Gln). This variant is present in population databases (rs781080080, gnomAD 0.004%). This missense change has been observed in individual(s) with clinical features of PNPLA2-related conditions (PMID: 32041611). ClinVar contains an entry for this variant (Variation ID: 949311). Algorithms developed to predict the effect of missense changes on protein structure and function are either unavailable or do not agree on the potential impact of this missense change (SIFT: "Tolerated"; PolyPhen-2: "Possibly Damaging"; Align-GVGD: "Class C0"). In summary, the available evidence is currently insufficient to determine the role of this variant in disease. Therefore, it has been classified as a Variant of Uncertain Significance.

Literature cited by the submitters: PubMed 32041611.

NM_020376.4(PNPLA2):c.617G>A (p.Arg206Gln)

Gene: PNPLA2 (patatin like domain 2, triacylglycerol lipase; plus strand). Cytogenetic location: 11p15.5.
Variant type: single nucleotide variant.
Coding change: c.617G>A on transcript NM_020376.4 (MANE Select); coding-DNA position 617, G replaced by A.
Protein change: p.Arg206Gln; replaces arginine 206 with glutamine.
Molecular consequence: missense variant.
Genome position (GRCh38, 1-based): chr11:822,527, G>A. VCF-style: chr11-822527-G-A. GRCh37 (hg19) VCF-style: chr11-822527-G-A.
Other names: short protein forms R206Q.
Identifiers: ClinVar variation 949311 (VCV000949311.7), dbSNP rs781080080, ClinGen allele CA5791070.